The following is an entry in ClinVar:

NM_005618.4(DLL1):c.1525C>T (p.Arg509Ter)

Gene: DLL1 (delta like canonical Notch ligand 1; minus strand). Cytogenetic location: 6q27.
Variant type: single nucleotide variant.
Coding change: c.1525C>T on transcript NM_005618.4 (MANE Select); coding-DNA position 1525, C replaced by T.
Protein change: p.Arg509Ter; replaces arginine 509 with a stop codon.
Molecular consequence: nonsense.
Genome position (GRCh38, 1-based): chr6:170,283,754, G>A on the plus strand (C>T on the coding strand, the complement: DLL1 is on the minus strand). VCF-style: chr6-170283754-G-A. GRCh37 (hg19) VCF-style: chr6-170592842-G-A.
Other names: short protein forms R509*.
Identifiers: ClinVar variation 800562 (VCV000800562.44), dbSNP rs1583152162, ClinGen allele CA366507078.

ClinVar aggregate classification (germline): Pathogenic. Review status: criteria provided, multiple submitters, no conflicts (2 of 4 stars). 7 submissions from 7 submitters: Pathogenic (6). 1 of the submissions does not count toward it. Last evaluated 2026-09-25.

Conditions:
DLL1-related disorders.
Neurodevelopmental disorder with nonspecific brain abnormalities and with or without seizures. Identifiers: MedGen C5231470, MONDO:0032877, OMIM 618709.
Inborn genetic diseases. Identifiers: MedGen C0950123, MeSH D030342.

Submissions (7):

MVZ Martinsried, Medicover Genetics
Classification: Pathogenic for Neurodevelopmental disorder with nonspecific brain abnormalities and with or without seizures. Last evaluated: 2026-09-25. Review status: criteria provided, single submitter. Criteria: ClinGen Variant Curation SOP V3.2 + Classification Guidance July2025. Collection method: clinical testing. Allele origin: de novo. Affected: yes. Observed: 1 heterozygote.

GeneDx
Classification: Pathogenic. Last evaluated: 2025-01-21. Review status: criteria provided, single submitter. Criteria: GeneDx Variant Classification Process June 2021. Collection method: clinical testing. Allele origin: germline. Affected: yes.
Comment: Nonsense variant predicted to result in protein truncation or nonsense mediated decay in a gene for which loss-of-function is a known mechanism of disease; Not observed at significant frequency in large population cohorts (gnomAD); This variant is associated with the following publications: (PMID: 35599849, 27535533, 31353024)

Ambry Genetics
Classification: Pathogenic for Inborn genetic diseases. Last evaluated: 2023-09-19. Review status: criteria provided, single submitter. Criteria: Ambry Variant Classification Scheme 2023. Collection method: clinical testing. Allele origin: germline.
Comment: The c.1525C>T (p.R509*) alteration, located in coding exon 9 of the DLL1 gene, consists of a C to T substitution at nucleotide position 1525. This changes the amino acid from an arginine (R) to a stop codon at amino acid position 509. This alteration is expected to result in loss of function by premature protein truncation or nonsense-mediated mRNA decay. This variant was not reported in population-based cohorts in the Genome Aggregation Database (gnomAD). This alteration has been detected in an individual with features consistent with DLL1-related neurodevelopmental disorder and was reported to be inherited from an affected father (Fischer-Zirnsak, 2019). Based on the available evidence, this alteration is classified as pathogenic.

Greenwood Genetic Center Diagnostic Laboratories, Greenwood Genetic Center
Classification: Pathogenic for Neurodevelopmental disorder with nonspecific brain abnormalities and with or without seizures. Last evaluated: 2023-03-23. Review status: criteria provided, single submitter. Criteria: ACMG Guidelines, 2015. Collection method: clinical testing. Allele origin: germline. Affected: yes.
Comment: PVS1, PS4_Moderate, PM2

Blueprint Genetics
Classification: Pathogenic for DLL1-related disorders. Last evaluated: 2022-06-21. Review status: criteria provided, single submitter. Criteria: ACMG Guidelines, 2015. Collection method: clinical testing. Allele origin: germline. Affected: yes. Observed: 2 variant alleles.

CeGaT Center for Human Genetics Tuebingen
Classification: Pathogenic. Last evaluated: 2022-01-01. Review status: criteria provided, single submitter. Criteria: CeGaT Center For Human Genetics Tuebingen Variant Classification Criteria Version 2. Collection method: clinical testing. Allele origin: germline. Affected: yes. Observed: 2 variant alleles.

OMIM
Classification: Pathogenic for NEURODEVELOPMENTAL DISORDER WITH NONSPECIFIC BRAIN ABNORMALITIES AND SEIZURES. Last evaluated: 2019-12-20. Review status: no assertion criteria provided. Collection method: literature only. Allele origin: germline. Not counted in ClinVar's aggregate classification.

Literature cited by the submitters: PubMed 31353024 (cited by Ambry Genetics and OMIM).